The following is an entry in ClinVar:

ClinVar aggregate classification (germline): Likely pathogenic (1 of 4 stars; one submission).

Conditions:
Usher syndrome type 1 (USH1). Also called: RETINITIS PIGMENTOSA AND CONGENITAL DEAFNESS. Identifiers: Orphanet 231169, Orphanet 886, MedGen C1568247, MONDO:0010168, OMIM 276900.

Submission:

Myriad Genetics, Inc.
Classification: Likely pathogenic for Usher syndrome type 1. Last evaluated: 2019-03-31. Review status: criteria provided, single submitter. Criteria: Myriad Women's Health Autosomal Recessive and X-Linked Classification Criteria (2019). Collection method: clinical testing. Allele origin: unknown.
Comment: NM_000260.3(MYO7A):c.1843A>T(K615*) is expected to be pathogenic in the context of MYO7A-related disorders. This variant is predicted to lead to an abnormal or absent protein product due to the creation of a premature termination codon in MYO7A, a gene where loss-of-function variants are known to be pathogenic. Please note: this variant was assessed in the context of healthy population screening.

NM_000260.4(MYO7A):c.1843A>T (p.Lys615Ter)

Gene: MYO7A (myosin VIIA; plus strand). Cytogenetic location: 11q13.5.
Variant type: single nucleotide variant.
Coding change: c.1843A>T on transcript NM_000260.4 (MANE Select); coding-DNA position 1843, A replaced by T.
Protein change: p.Lys615Ter; replaces lysine 615 with a stop codon.
Molecular consequence: nonsense.
Genome position (GRCh38, 1-based): chr11:77,172,793, A>T. VCF-style: chr11-77172793-A-T. GRCh37 (hg19) VCF-style: chr11-76883839-A-T.
Other names: c.1843A>T, p.Lys615Ter (NM_001127180.2); c.1810A>T, p.Lys604Ter (NM_001369365.1); short protein forms K604*, K615*.
Identifiers: ClinVar variation 983798 (VCV000983798.3), dbSNP rs1954237712, ClinGen allele CA381938353.